The following is an entry in ClinVar:

ClinVar aggregate classification (germline): Conflicting classifications of pathogenicity. Review status: criteria provided, conflicting classifications (1 of 4 stars). 8 submissions from 6 submitters: Uncertain significance (6); Likely benign (1). 1 of the submissions does not count toward it. Last evaluated 2026-07-09.

Conditions:
Joubert syndrome 7 (JBTS7). Identifiers: Orphanet 220497, MedGen C1969053, MONDO:0012694, OMIM 611560.
Meckel-Gruber syndrome. Also called: Dysencephalia splachnocystica; DYSENCEPHALIA SPLANCHNOCYSTICA; GRUBER SYNDROME. Identifiers: Orphanet 564, MedGen C0265215, MONDO:0018921.
Joubert syndrome. Also called: JOUBERT-BOLTSHAUSER SYNDROME; Familial aplasia of the vermis. Identifiers: Orphanet 475, MedGen C5979921, MONDO:0018772.
Nephronophthisis 8. Identifiers: MedGen CN119610.
Meckel syndrome, type 5 (MKS5). Identifiers: Orphanet 564, MedGen C1969052, MONDO:0012695, OMIM 611561.
COACH syndrome 3. Identifiers: MedGen C5436841, MONDO:0030862, OMIM 619113.
RPGRIP1L-related disorder. Also called: RPGRIP1L-related condition; RPGRIP1L-related disorders. Identifiers: MedGen CN239416.

Allele frequency attached by ClinVar (database versions not stated): ExAC 0.00002; gnomAD 0.00003; gnomAD exomes 0.00009; TOPMed 0.00009; 1000 Genomes Project 30x 0.00016; 1000 Genomes Project 0.00020.
gnomAD v4.1: 51 of 1,614,040 alleles (0.0032%); highest among the groups gnomAD compares: Admixed American, 0.035%; no homozygotes.

Submissions (8):

PreventionGenetics, part of Exact Sciences
Classification: Uncertain significance for RPGRIP1L-related condition. Last evaluated: 2026-07-09. Review status: criteria provided, single submitter. Criteria: ACMG Guidelines, 2015. Collection method: clinical testing. Allele origin: germline.
Comment: The RPGRIP1L c.3769G>A variant is predicted to result in the amino acid substitution p.Val1257Met. To our knowledge, this variant has not been reported in the literature in individuals with RPGRIP1L-related disorders. This variant is reported in 0.056% of alleles in individuals of Latino descent in gnomAD. Although we suspect that this variant may be benign, at this time, the clinical significance of this variant is uncertain due to the absence of conclusive functional and genetic evidence.

Fulgent Genetics
Classification: Uncertain significance for Joubert syndrome 7; Meckel syndrome, type 5; COACH syndrome 3. Last evaluated: 2024-01-03. Review status: criteria provided, single submitter. Criteria: ACMG Guidelines, 2015. Collection method: clinical testing. Allele origin: germline.

Blueprint Genetics
Classification: Likely benign. Last evaluated: 2022-10-26. Review status: criteria provided, single submitter. Criteria: ACMG Guidelines, 2015. Collection method: clinical testing. Allele origin: germline.

Labcorp Genetics (formerly Invitae), Labcorp
Classification: Uncertain significance for Joubert syndrome; Meckel-Gruber syndrome. Last evaluated: 2022-08-21. Review status: criteria provided, single submitter. Criteria: Invitae Variant Classification Sherloc (09022015). Collection method: clinical testing. Allele origin: germline.
Comment: This sequence change replaces valine, which is neutral and non-polar, with methionine, which is neutral and non-polar, at codon 1257 of the RPGRIP1L protein (p.Val1257Met). This variant is present in population databases (rs536037779, gnomAD 0.06%). This variant has not been reported in the literature in individuals affected with RPGRIP1L-related conditions. ClinVar contains an entry for this variant (Variation ID: 884393). Algorithms developed to predict the effect of missense changes on protein structure and function (SIFT, PolyPhen-2, Align-GVGD) all suggest that this variant is likely to be tolerated. In summary, the available evidence is currently insufficient to determine the role of this variant in disease. Therefore, it has been classified as a Variant of Uncertain Significance.

Illumina Laboratory Services, Illumina
Classification: Uncertain significance for Meckel syndrome, type 5. Last evaluated: 2018-01-13. Review status: criteria provided, single submitter. Criteria: ICSL Variant Classification Criteria 13 December 2019. Collection method: clinical testing. Allele origin: germline.

Illumina Laboratory Services, Illumina
Classification: Uncertain significance for Nephronophthisis 8. Last evaluated: 2018-01-13. Review status: criteria provided, single submitter. Criteria: ICSL Variant Classification Criteria 13 December 2019. Collection method: clinical testing. Allele origin: germline.

Illumina Laboratory Services, Illumina
Classification: Uncertain significance for Joubert syndrome 7. Last evaluated: 2018-01-13. Review status: criteria provided, single submitter. Criteria: ICSL Variant Classification Criteria 13 December 2019. Collection method: clinical testing. Allele origin: germline.

Natera, Inc.
Classification: Uncertain significance for Joubert syndrome. Last evaluated: 2020-11-24. Review status: no assertion criteria provided. Collection method: clinical testing. Allele origin: germline. Not counted in ClinVar's aggregate classification.

NM_015272.5(RPGRIP1L):c.3769G>A (p.Val1257Met)

Gene: RPGRIP1L (RPGRIP1 like; minus strand). Cytogenetic location: 16q12.2.
Variant type: single nucleotide variant.
Coding change: c.3769G>A on transcript NM_015272.5 (MANE Select); coding-DNA position 3769, G replaced by A.
Protein change: p.Val1257Met; replaces valine 1257 with methionine.
Molecular consequence: missense variant.
Genome position (GRCh38, 1-based): chr16:53,605,547, C>T on the plus strand (G>A on the coding strand, the complement: RPGRIP1L is on the minus strand). VCF-style: chr16-53605547-C-T. GRCh37 (hg19) VCF-style: chr16-53639459-C-T.
Other names: c.3529G>A, p.Val1177Met (NM_001127897.4); c.3631G>A, p.Val1211Met (NM_001308334.3); c.3667G>A, p.Val1223Met (NM_001330538.2); c.3769G>A (NM_015272.4); short protein forms V1257M, V1211M, V1223M, V1177M.
Identifiers: ClinVar variation 884393 (VCV000884393.15), dbSNP rs536037779, ClinGen allele CA8057184.